The following is an entry in ClinVar:

ClinVar aggregate classification (germline): Uncertain significance (1 of 4 stars; one submission).

Submission:

Labcorp Genetics (formerly Invitae), Labcorp
Classification: Uncertain significance. Last evaluated: 2025-09-10. Review status: criteria provided, single submitter. Criteria: Invitae Variant Classification Sherloc (09022015). Collection method: clinical testing. Allele origin: germline.
Comment: This sequence change replaces glutamine, which is neutral and polar, with histidine, which is basic and polar, at codon 188 of the STAG1 protein (p.Gln188His). This variant is not present in population databases (gnomAD no frequency). This variant has not been reported in the literature in individuals affected with STAG1-related conditions. Invitae Evidence Modeling of protein sequence and biophysical properties (such as structural, functional, and spatial information, amino acid conservation, physicochemical variation, residue mobility, and thermodynamic stability) indicates that this missense variant is not expected to disrupt STAG1 protein function with a negative predictive value of 80%. In summary, the available evidence is currently insufficient to determine the role of this variant in disease. Therefore, it has been classified as a Variant of Uncertain Significance.

NM_005862.3(STAG1):c.564G>T (p.Gln188His)

Gene: STAG1 (STAG1 cohesin complex component; minus strand). Cytogenetic location: 3q22.3.
Variant type: single nucleotide variant.
Coding change: c.564G>T on transcript NM_005862.3 (MANE Select); coding-DNA position 564, G replaced by T.
Protein change: p.Gln188His; replaces glutamine 188 with histidine.
Molecular consequence: missense variant.
Genome position (GRCh38, 1-based): chr3:136,521,325, C>A on the plus strand (G>T on the coding strand, the complement: STAG1 is on the minus strand). VCF-style: chr3-136521325-C-A. GRCh37 (hg19) VCF-style: chr3-136240167-C-A.
Other names: short protein forms Q188H.
Identifiers: ClinVar variation 4737325 (VCV004737325.1).